The following is an entry in ClinVar:

NM_005026.5(PIK3CD):c.2314G>A (p.Gly772Ser)

Gene: PIK3CD (phosphatidylinositol-4,5-bisphosphate 3-kinase catalytic subunit delta; plus strand). Cytogenetic location: 1p36.22.
Variant type: single nucleotide variant.
Coding change: c.2314G>A on transcript NM_005026.5 (MANE Select); coding-DNA position 2314, G replaced by A.
Protein change: p.Gly772Ser; replaces glycine 772 with serine.
Molecular consequence: missense variant.
Genome position (GRCh38, 1-based): chr1:9,722,323, G>A. VCF-style: chr1-9722323-G-A. GRCh37 (hg19) VCF-style: chr1-9782381-G-A.
Other names: NM_005026.5(PIK3CD):c.2314G>A; p.Gly772Ser; c.2314G>A (LRG_191t1); c.2311G>A, p.Gly771Ser (NM_001350234.2); c.2227G>A, p.Gly743Ser (NM_001350235.1); short protein forms G772S, G743S, G771S.
Identifiers: ClinVar variation 541095 (VCV000541095.49), dbSNP rs149376192, ClinGen allele CA577490.

ClinVar aggregate classification (germline): Likely benign. Review status: reviewed by expert panel (3 of 4 stars). 6 submissions from 6 submitters: Likely benign (1). 5 of the submissions do not count toward it. Last evaluated 2025-12-19.

Conditions:
PIK3CD-related disorder. Also called: PIK3CD-related condition.
Immunodeficiency 14 (IMD14A). Also called: p110-DELTA-ACTIVATING MUTATION CAUSING SENESCENT T CELLS, LYMPHADENOPATHY, AND IMMUNODEFICIENCY; IMMUNODEFICIENCY 14A WITH LYMPHOPROLIFERATION, AUTOSOMAL DOMINANT; Activated PI3K Delta Syndrome Type 1 (APDS1); ACTIVATED PI3K-DELTA SYNDROME 1. Identifiers: Orphanet 397596, Orphanet 693661, MedGen C5907821, MONDO:0014222, OMIM 615513.

Allele frequency attached by ClinVar (database versions not stated): gnomAD exomes 0.00011 and 0.00023; ExAC 0.00021; gnomAD 0.00046 and 0.00048; TOPMed 0.00055; 1000 Genomes Project 0.00060; 1000 Genomes Project 30x 0.00062; ESP Exome Variant Server 0.00062.
gnomAD v4.1: 221 of 1,613,164 alleles (0.014%); highest among the groups gnomAD compares: African/African-American, 0.17%; 1 homozygote.

Submissions (6):

ClinGen Primary Immune Regulatory Disorders Variant Curation Expert Panel, ClinGen
Classification: Likely benign for Immunodeficiency 14. Last evaluated: 2025-12-19. Review status: reviewed by expert panel. Criteria: ClinGen AbDef ACMG Specifications PIK3CD V1.0.0. Collection method: curation. Allele origin: germline. Inheritance: Autosomal dominant inheritance.
Comment: NM_005026.5(PIK3CD):c.2314G>A (p.Gly772Ser) is a missense variant that causes substitution of glycine by serine at amino acid 772. This variant is present in gnomAD v.4.1.0 at a GrpMax allele frequency of 0.001428, with 125 alleles / 75,016 total alleles in the African/African American population, which is higher than the ClinGen Antibody Deficiencies VCEP BS1 threshold of >0.000316 (BS1). One patient has been reported in the literature with this variant and a phenotype that includes recurrent respiratory tract infections (4 pts), thrombocytopenia (1 pt), and abnormal immunoglobulins (0..5 pts), significantly increased phospho-AKT in patient cells, and genotyping by whole exome sequencing failing to identify an alternative cause of immunological disease (5.5 total points, PMID: 37742016). However, PS4 cannot be applied due to insufficient phenotype points and because the population frequency met BS1. The computational predictor REVEL gives a score of 0.102, which is below the ClinGen Antibody Deficiencies VCEP threshold of <0.290 and predicts a non-damaging effect on PIK3CD function. The computational predictor CADD gives a PHRED score of 14.88, which is below the ClinGen Antibody Deficiencies VCEP threshold of <22.7 and predicts a non-deleterious effect on PIK3CD function. The two predictors agree on a non-damaging effect (BP4). In summary, this variant meets the criteria to be classified as likely benign for autosomal dominant immunodeficiency 14 based on the ACMG/AMP criteria applied, as specified by the ClinGen Antibody Deficiencies VCEP: BS1 and BP4. (VCEP specifications version 1.0.0).

Labcorp Genetics (formerly Invitae), Labcorp
Classification: Likely benign for Activated PI3K-delta syndrome. Last evaluated: 2025-12-02. Review status: criteria provided, single submitter. Criteria: Invitae Variant Classification Sherloc (09022015). Collection method: clinical testing. Allele origin: germline. Not counted in ClinVar's aggregate classification.

PreventionGenetics, part of Exact Sciences
Classification: Likely benign for PIK3CD-related condition. Last evaluated: 2025-02-07. Review status: criteria provided, single submitter. Criteria: ACMG Guidelines, 2015. Collection method: clinical testing. Allele origin: germline. Not counted in ClinVar's aggregate classification.
Comment: This variant is classified as likely benign based on ACMG/AMP sequence variant interpretation guidelines (Richards et al. 2015 PMID: 25741868, with internal and published modifications).

ARUP Laboratories, Molecular Genetics and Genomics, ARUP Laboratories
Classification: Uncertain significance. Last evaluated: 2024-08-26. Review status: criteria provided, single submitter. Criteria: ARUP Molecular Germline Variant Investigation Process 2024. Collection method: clinical testing. Allele origin: germline. Not counted in ClinVar's aggregate classification.
Comment: The PIK3CD c.2314G>A; p.Gly772Ser variant (rs149376192), to our knowledge, is not reported in the medical literature but is reported in ClinVar (Variation ID: 541095). This variant is observed in the general population with an overall allele frequency of 0.02% (69/278670 alleles) in the Genome Aggregation Database (v2.1.1). Computational analyses predict that this variant is neutral (REVEL: 0.102). Due to limited information, the clinical significance of this variant is uncertain at this time.

CeGaT Center for Human Genetics Tuebingen
Classification: Likely benign. Last evaluated: 2021-11-01. Review status: criteria provided, single submitter. Criteria: CeGaT Center For Human Genetics Tuebingen Variant Classification Criteria Version 2. Collection method: clinical testing. Allele origin: germline. Affected: yes. Observed: 1 variant allele. Not counted in ClinVar's aggregate classification.

Breakthrough Genomics
Classification: Likely benign. Review status: criteria provided, single submitter. Criteria: ACMG Guidelines, 2015. Collection method: not provided. Allele origin: germline. Inheritance: Autosomal recessive inheritance. Affected: yes. Not counted in ClinVar's aggregate classification.